The following is an entry in ClinVar:

ClinVar aggregate classification (germline): Pathogenic (1 of 4 stars; one submission).

Conditions:
Holocarboxylase synthetase deficiency. Also called: MULTIPLE CARBOXYLASE DEFICIENCY, EARLY ONSET. Identifiers: Orphanet 79242, MedGen C0268581, MONDO:0009666, OMIM 253270.

gnomAD v4.1: 2 of 1,613,938 alleles (0.00012%); highest among the groups gnomAD compares: Non-Finnish European, 0.00017%; no homozygotes.

Submission:

Labcorp Genetics (formerly Invitae), Labcorp
Classification: Pathogenic for Holocarboxylase synthetase deficiency. Last evaluated: 2024-02-27. Review status: criteria provided, single submitter. Criteria: Invitae Variant Classification Sherloc (09022015). Collection method: clinical testing. Allele origin: germline.
Comment: This sequence change creates a premature translational stop signal (p.Lys30*) in the HLCS gene. It is expected to result in an absent or disrupted protein product. Loss-of-function variants in HLCS are known to be pathogenic (PMID: 16134170). This variant is not present in population databases (gnomAD no frequency). This variant has not been reported in the literature in individuals affected with HLCS-related conditions. For these reasons, this variant has been classified as Pathogenic.

Literature cited by the submitters: PubMed 16134170.

NM_001352514.2(HLCS):c.529A>T (p.Lys177Ter)

Gene: HLCS (holocarboxylase synthetase; minus strand). Cytogenetic location: 21q22.13.
Variant type: single nucleotide variant.
Coding change: c.529A>T on transcript NM_001352514.2 (MANE Select); coding-DNA position 529, A replaced by T.
Protein change: p.Lys177Ter; replaces lysine 177 with a stop codon.
Molecular consequence: nonsense. On other transcripts: non-coding transcript variant (2).
Genome position (GRCh38, 1-based): chr21:36,937,357, T>A on the plus strand (A>T on the coding strand, the complement: HLCS is on the minus strand). VCF-style: chr21-36937357-T-A. GRCh37 (hg19) VCF-style: chr21-38309657-T-A.
Other names: c.88A>T, p.Lys30Ter (NM_000411.8, NM_001242784.3, NM_001242785.2 and 4 more transcripts); short protein forms K30*, K177*.
Identifiers: ClinVar variation 3685200 (VCV003685200.2).
Genomic context (GRCh38, chr21:36,937,357, plus strand): 5'-CAAGAGAAGGTTCAGGCTTCGGCTCTAGGATCTGGGCTTGCTTGTTTGAGACCTGATCCT[T>A]AACTTCCTTCAGAGTGGAGTCCTGCAAGTGCACCGCTAAGGCATGAATAGGAGAGAGAGA-3'